The following is an entry in ClinVar:

ClinVar aggregate classification (germline): Pathogenic/Likely pathogenic. Review status: criteria provided, multiple submitters, no conflicts (2 of 4 stars). 3 submissions from 3 submitters: Pathogenic (2); Likely pathogenic (1). Last evaluated 2026-01-22.

Conditions:
Familial adenomatous polyposis 1 (FAP1). Also called: FAMILIAL ADENOMATOUS POLYPOSIS 1, ATTENUATED; POLYPOSIS, ADENOMATOUS INTESTINAL. Identifiers: MedGen C2713442, MONDO:0021056, OMIM 175100. Disease mechanism: loss of function.

Submissions (3):

Labcorp Genetics (formerly Invitae), Labcorp
Classification: Pathogenic for Familial adenomatous polyposis 1. Last evaluated: 2026-01-22. Review status: criteria provided, single submitter. Criteria: Invitae Variant Classification Sherloc (09022015). Collection method: clinical testing. Allele origin: germline.
Comment: This sequence change creates a premature translational stop signal (p.Ser1104*) in the APC gene. While this is not anticipated to result in nonsense mediated decay, it is expected to disrupt the last 1740 amino acid(s) of the APC protein. This variant is not present in population databases (gnomAD no frequency). This premature translational stop signal has been observed in individual(s) with familial adenomatous polyposis (PMID: 20924072). ClinVar contains an entry for this variant (Variation ID: 948120). This variant is expected to disrupt the EB1 and HDLG binding sites, which mediate interactions with the cytoskeleton (PMID: 15311282, 17293347). While functional studies have not been performed to directly test the effect on APC protein function, this suggests that disruption of the C-terminal portion of the protein is functionally important. A different truncation (p.Tyr2645Lysfs*14) that lies downstream of this variant has been determined to be pathogenic (PMID: 9824584, 1316610, 27081525, 8381579, 22135120, internal data). This suggests that deletion of this region of the APC protein is causative of disease. For these reasons, this variant has been classified as Pathogenic.

Myriad Genetics, Inc.
Classification: Pathogenic for Familial adenomatous polyposis 1. Last evaluated: 2023-05-08. Review status: criteria provided, single submitter. Criteria: Myriad Autosomal Dominant, Autosomal Recessive and X-Linked Classification Criteria (2023). Collection method: clinical testing. Allele origin: unknown.
Comment: This variant is considered pathogenic. This variant creates a termination codon and is predicted to result in premature protein truncation.

Institute for Genomic Medicine (IGM) Clinical Laboratory, Nationwide Children's Hospital
Classification: Likely pathogenic for Familial adenomatous polyposis 1. Last evaluated: 2022-08-01. Review status: criteria provided, single submitter. Criteria: ACMG Guidelines, 2015. Collection method: clinical testing. Allele origin: germline.
Comment: This variant is predicted to result in loss of function through nonsense-mediated decay of the encoded transcript or premature truncation of the encoded protein in a gene in which loss of function is a known mechanism of disease (ACMG/AMP: PVS1; PMIDs:16088911, 8162022). This variant is absent from or present at an exceedingly low frequency in gnomAD, a large-scale control population database (ACMG/AMP: PM2).

Literature cited by the submitters: PubMed 20924072 (cited by Labcorp Genetics (formerly Invitae), Labcorp); PubMed 15311282 (cited by Labcorp Genetics (formerly Invitae), Labcorp); PubMed 17293347 (cited by Labcorp Genetics (formerly Invitae), Labcorp); PubMed 9824584 (cited by Labcorp Genetics (formerly Invitae), Labcorp); PubMed 1316610 (cited by Labcorp Genetics (formerly Invitae), Labcorp); PubMed 27081525 (cited by Labcorp Genetics (formerly Invitae), Labcorp); PubMed 8381579 (cited by Labcorp Genetics (formerly Invitae), Labcorp); PubMed 22135120 (cited by Labcorp Genetics (formerly Invitae), Labcorp); PubMed 16088911 (cited by Institute for Genomic Medicine (IGM) Clinical Laboratory, Nationwide Children's Hospital); PubMed 8162022 (cited by Institute for Genomic Medicine (IGM) Clinical Laboratory, Nationwide Children's Hospital).

NM_000038.6(APC):c.3311C>A (p.Ser1104Ter)

Gene: APC (APC regulator of Wnt signaling pathway; plus strand). Cytogenetic location: 5q22.2.
Variant type: single nucleotide variant.
Coding change: c.3311C>A on transcript NM_000038.6 (MANE Select); coding-DNA position 3311, C replaced by A.
Protein change: p.Ser1104Ter; replaces serine 1104 with a stop codon.
Molecular consequence: nonsense.
Genome position (GRCh38, 1-based): chr5:112,838,905, C>A. VCF-style: chr5-112838905-C-A. GRCh37 (hg19) VCF-style: chr5-112174602-C-A.
Other names: c.3311C>A, p.Ser1104Ter (NM_001127510.3, NM_001354895.2); c.3257C>A, p.Ser1086Ter (NM_001127511.3); c.3365C>A, p.Ser1122Ter (NM_001354896.2); c.3341C>A, p.Ser1114Ter (NM_001354897.2); c.3236C>A, p.Ser1079Ter (NM_001354898.2); c.3227C>A, p.Ser1076Ter (NM_001354899.2); c.3188C>A, p.Ser1063Ter (NM_001354900.2); c.3134C>A, p.Ser1045Ter (NM_001354901.2); and 5 more; short protein forms S1076*, S944*, S978*, S1003*, S1086*, S1045*, S1063*, S1104*.
Identifiers: ClinVar variation 948120 (VCV000948120.12), dbSNP rs1580633796, ClinGen allele CA16028600.